The following is an entry in ClinVar:

NM_014283.5(SUCO):c.3004G>C (p.Glu1002Gln)

Gene: SUCO (SUN domain containing ossification factor; plus strand). Cytogenetic location: 1q24.3.
Variant type: single nucleotide variant.
Coding change: c.3004G>C on transcript NM_014283.5 (MANE Select); coding-DNA position 3004, G replaced by C.
Protein change: p.Glu1002Gln; replaces glutamic acid 1002 with glutamine.
Molecular consequence: missense variant.
Genome position (GRCh38, 1-based): chr1:172,600,154, G>C. VCF-style: chr1-172600154-G-C. GRCh37 (hg19) VCF-style: chr1-172569294-G-C.
Other names: c.1891G>C, p.Glu631Gln (NM_001282750.2); c.1315G>C, p.Glu439Gln (NM_001282751.2); c.3457G>C, p.Glu1153Gln (NM_016227.4); short protein forms E439Q, E1002Q, E631Q, E1153Q.
Identifiers: ClinVar variation 2172110 (VCV002172110.4), dbSNP rs2527473230, ClinGen allele CA343747491.

ClinVar aggregate classification (germline): Uncertain significance (1 of 4 stars; one submission).

Submission:

Labcorp Genetics (formerly Invitae), Labcorp
Classification: Uncertain significance. Last evaluated: 2022-03-26. Review status: criteria provided, single submitter. Criteria: Invitae Variant Classification Sherloc (09022015). Collection method: clinical testing. Allele origin: germline.
Comment: This sequence change replaces glutamic acid, which is acidic and polar, with glutamine, which is neutral and polar, at codon 1002 of the SUCO protein (p.Glu1002Gln). This variant is not present in population databases (gnomAD no frequency). In summary, the available evidence is currently insufficient to determine the role of this variant in disease. Therefore, it has been classified as a Variant of Uncertain Significance. Algorithms developed to predict the effect of missense changes on protein structure and function (SIFT, PolyPhen-2, Align-GVGD) all suggest that this variant is likely to be tolerated. This variant has not been reported in the literature in individuals affected with SUCO-related conditions.